The following is an entry in ClinVar:

NM_001386298.1(CIC):c.6103dup (p.Thr2035fs)

Gene: CIC (capicua transcriptional repressor; plus strand). Cytogenetic location: 19q13.2.
Variant type: Duplication.
Coding change: c.6103dup on transcript NM_001386298.1 (MANE Select); coding-DNA position 6103, one base duplicated (A; older notation c.6103dupA).
Protein change: p.Thr2035fs; shifts the reading frame from threonine 2035.
Molecular consequence: frameshift variant.
Genome position (GRCh38, 1-based): chr19:42,292,766, A duplicated. VCF-style (leftmost placement, unchanged base first): chr19-42292765-C-CA. GRCh37 (hg19) VCF-style: chr19-42796917-C-CA.
Other names: c.6103dup, p.Thr2035fs (NM_001304815.2, NM_001379480.1, NM_001379482.1 and 6 more transcripts); c.3376dup, p.Thr1126fs (NM_001379484.1, NM_001379485.1, NM_001439189.1 and 2 more transcripts); c.3373dup, p.Thr1125fs (NM_001439191.1); short protein forms T1126fs, T1125fs, T2035fs.
Identifiers: ClinVar variation 4725206 (VCV004725206.1).

ClinVar aggregate classification (germline): Pathogenic (1 of 4 stars; one submission).

Submission:

Labcorp Genetics (formerly Invitae), Labcorp
Classification: Pathogenic. Last evaluated: 2025-09-11. Review status: criteria provided, single submitter. Criteria: Invitae Variant Classification Sherloc (09022015). Collection method: clinical testing. Allele origin: germline.
Comment: This sequence change creates a premature translational stop signal (p.Thr1126Asnfs*25) in the CIC gene. It is expected to result in an absent or disrupted protein product. Loss-of-function variants in CIC are known to be pathogenic (PMID: 32820034, 28288114). This variant is not present in population databases (gnomAD no frequency). This variant has not been reported in the literature in individuals affected with CIC-related conditions. For these reasons, this variant has been classified as Pathogenic.

Literature cited by the submitters: PubMed 32820034; PubMed 28288114.